The following is an entry in ClinVar:

NM_003482.4(KMT2D):c.13839+6A>G

Gene: KMT2D (lysine methyltransferase 2D; minus strand). Cytogenetic location: 12q13.12.
Variant type: single nucleotide variant.
Coding change: c.13839+6A>G on transcript NM_003482.4 (MANE Select); 6 bases into the intron after coding-DNA position 13839, A replaced by G.
Molecular consequence: intron variant.
Genome position (GRCh38, 1-based): chr12:49,030,595, T>C on the plus strand (A>G on the coding strand, the complement: KMT2D is on the minus strand). VCF-style: chr12-49030595-T-C. GRCh37 (hg19) VCF-style: chr12-49424378-T-C.
Identifiers: ClinVar variation 2884164 (VCV002884164.3), dbSNP rs2120405469, ClinGen allele CA2618607831.
Genomic context (GRCh38, chr12:49,030,595, plus strand): 5'-TTCTATTCCCACCCTCACCTTCCCAAGAACTTCACTATTCCCAAAAAATATTGCCATTTT[T>C]CTGACCTTGGTAAGCAGCTGGGAATAGTAGTCAGGGCCAGTGGGCAGCGCCCCACTTCCA-3'

ClinVar aggregate classification (germline): Uncertain significance (1 of 4 stars; one submission).

Conditions:
Kabuki syndrome. Also called: NIIKAWA-KUROKI SYNDROME; Kabuki make-up syndrome. Identifiers: Orphanet 2322, MedGen C0796004, MONDO:0016512.

Allele frequency attached by ClinVar (database versions not stated): gnomAD exomes below 0.00001.
gnomAD v4.1: 6 of 1,554,054 alleles (0.00039%); highest among the groups gnomAD compares: African/African-American, 0.0055%; no homozygotes.

Submission:

Labcorp Genetics (formerly Invitae), Labcorp
Classification: Uncertain significance for Kabuki syndrome. Last evaluated: 2024-03-11. Review status: criteria provided, single submitter. Criteria: Invitae Variant Classification Sherloc (09022015). Collection method: clinical testing. Allele origin: germline.
Comment: This sequence change falls in intron 41 of the KMT2D gene. It does not directly change the encoded amino acid sequence of the KMT2D protein. It affects a nucleotide within the consensus splice site. This variant is not present in population databases (gnomAD no frequency). This variant has not been reported in the literature in individuals affected with KMT2D-related conditions. Variants that disrupt the consensus splice site are a relatively common cause of aberrant splicing (PMID: 17576681, 9536098). Algorithms developed to predict the effect of sequence changes on RNA splicing suggest that this variant is not likely to affect RNA splicing. In summary, the available evidence is currently insufficient to determine the role of this variant in disease. Therefore, it has been classified as a Variant of Uncertain Significance.

Literature cited by the submitters: PubMed 17576681; PubMed 9536098.